The following is an entry in ClinVar:

NM_001131016.2(CIZ1):c.664C>G (p.Arg222Gly)

Gene: CIZ1 (CDKN1A interacting zinc finger protein 1; minus strand). Cytogenetic location: 9q34.11.
Variant type: single nucleotide variant.
Coding change: c.664C>G on transcript NM_001131016.2 (MANE Select); coding-DNA position 664, C replaced by G.
Protein change: p.Arg222Gly; replaces arginine 222 with glycine.
Molecular consequence: missense variant.
Genome position (GRCh38, 1-based): chr9:128,180,739, G>C on the plus strand (C>G on the coding strand, the complement: CIZ1 is on the minus strand). VCF-style: chr9-128180739-G-C. GRCh37 (hg19) VCF-style: chr9-130943018-G-C.
Other names: c.664C>G, p.Arg222Gly (NM_001131015.2, NM_012127.3); c.649C>G, p.Arg217Gly (NM_001131017.2); c.592C>G, p.Arg198Gly (NM_001131018.2); c.754C>G, p.Arg252Gly (NM_001257975.2); c.361C>G, p.Arg121Gly (NM_001257976.2); short protein forms R222G, R217G, R198G, R121G, R252G.
Identifiers: ClinVar variation 2116531 (VCV002116531.4), dbSNP rs1034218966, ClinGen allele CA375031495.
Genomic context (GRCh38, chr9:128,180,739, plus strand): 5'-CATTCATGTCCCTCTGAAGGGCCAGCAGCCTCCCTCCCTCACCTTCTGGTGTGTCCATCC[G>C]GGGCTCTGCGGCTTCCTCAGACCCCTCTGGGGGGTCTGACTTGTCTTCCACAGGCATTGT-3'
Protein context (NP_001124488.1, residues 212-232): PEGSEEAAEP[Arg222Gly]MDTPEDQDLP

ClinVar aggregate classification (germline): Uncertain significance (1 of 4 stars; one submission).

Conditions:
Dystonic disorder. Also called: Dystonia. Identifiers: MedGen C0013421, MONDO:0003441, HP:0001332.

gnomAD v4.1: 1 of 1,608,556 alleles (0.000062%); highest among the groups gnomAD compares: Non-Finnish European, 0.000085%; no homozygotes.

Submission:

Labcorp Genetics (formerly Invitae), Labcorp
Classification: Uncertain significance for Dystonic disorder. Last evaluated: 2022-03-25. Review status: criteria provided, single submitter. Criteria: Invitae Variant Classification Sherloc (09022015). Collection method: clinical testing. Allele origin: germline.
Comment: In summary, the available evidence is currently insufficient to determine the role of this variant in disease. Therefore, it has been classified as a Variant of Uncertain Significance. Algorithms developed to predict the effect of missense changes on protein structure and function output the following: SIFT: "Tolerated"; PolyPhen-2: "Benign"; Align-GVGD: "Class C0". The glycine amino acid residue is found in multiple mammalian species, which suggests that this missense change does not adversely affect protein function. This variant has not been reported in the literature in individuals affected with CIZ1-related conditions. This variant is not present in population databases (gnomAD no frequency). This sequence change replaces arginine, which is basic and polar, with glycine, which is neutral and non-polar, at codon 222 of the CIZ1 protein (p.Arg222Gly).